The following is an entry in ClinVar:

NM_001042492.3(NF1):c.3938_3941del (p.Asp1313fs)

Gene: NF1 (neurofibromin 1; plus strand). Cytogenetic location: 17q11.2.
Variant type: Deletion.
Coding change: c.3938_3941del on transcript NM_001042492.3 (MANE Select); coding-DNA positions 3938 to 3941, 4 bases deleted (ATTG; older notation c.3938_3941delATTG).
Protein change: p.Asp1313fs; shifts the reading frame from aspartic acid 1313.
Molecular consequence: frameshift variant.
Genome position (GRCh38, 1-based): chr17:31,235,985-31,235,988, ATTG deleted; deleting any 4 consecutive bases within chr17:31,235,983-31,235,988 gives the same sequence; the c. name uses the placement nearest the transcript's 3' end. VCF-style (leftmost placement, unchanged base first): chr17-31235982-CTGAT-C. GRCh37 (hg19) VCF-style: chr17-29563000-CTGAT-C.
Other names: c.3938_3941delATTG, p.Asp1313Glyfs (NM_000267.4); short protein forms D1313fs.
Identifiers: ClinVar variation 1075773 (VCV001075773.5), dbSNP rs2151438635, ClinGen allele CA645578929.

ClinVar aggregate classification (germline): Pathogenic (1 of 4 stars; one submission).

Conditions:
Neurofibromatosis, type 1 (NF1). Also called: VON RECKLINGHAUSEN DISEASE; Peripheral type neurofibromatosis; NEUROFIBROMATOSIS, TYPE I, SOMATIC; Neurofibromatosis, type I. Identifiers: Orphanet 636, MedGen C0027831, MONDO:0018975, OMIM 162200. Disease mechanism: loss of function.

Submission:

Labcorp Genetics (formerly Invitae), Labcorp
Classification: Pathogenic for Neurofibromatosis, type 1. Last evaluated: 2025-11-11. Review status: criteria provided, single submitter. Criteria: Invitae Variant Classification Sherloc (09022015). Collection method: clinical testing. Allele origin: germline.
Comment: This sequence change creates a premature translational stop signal (p.Asp1313Glyfs*13) in the NF1 gene. It is expected to result in an absent or disrupted protein product. Loss-of-function variants in NF1 are known to be pathogenic (PMID: 10712197, 23913538). This variant is not present in population databases (gnomAD no frequency). This premature translational stop signal has been observed in individual(s) with clinical features of NF1-related conditions (PMID: 25541118). ClinVar contains an entry for this variant (Variation ID: 1075773). For these reasons, this variant has been classified as Pathogenic.

Literature cited by the submitters: PubMed 10712197; PubMed 23913538; PubMed 25541118.